The following is an entry in ClinVar:

NM_014244.5(ADAMTS2):c.295G>A (p.Gly99Arg)

Gene: ADAMTS2 (ADAM metallopeptidase with thrombospondin type 1 motif 2; minus strand). Cytogenetic location: 5q35.3.
Variant type: single nucleotide variant.
Coding change: c.295G>A on transcript NM_014244.5 (MANE Select); coding-DNA position 295, G replaced by A.
Protein change: p.Gly99Arg; replaces glycine 99 with arginine.
Molecular consequence: missense variant.
Genome position (GRCh38, 1-based): chr5:179,344,006, C>T on the plus strand (G>A on the coding strand, the complement: ADAMTS2 is on the minus strand). VCF-style: chr5-179344006-C-T. GRCh37 (hg19) VCF-style: chr5-178771007-C-T.
Other names: c.295G>A, p.Gly99Arg (NM_021599.4); short protein forms G99R.
Identifiers: ClinVar variation 861891 (VCV000861891.8), dbSNP rs553818378, ClinGen allele CA3596350.
Genomic context (GRCh38, chr5:179,344,006, plus strand): 5'-CTCGGCCAAAGACCGTGACATTGTAGAAGAGGTGACTGCCAGGCTCCTCCTCGTTGCCTC[C>T]GGGGAAGCTCGGGGTCCGGACCGGGGCGGCCCTGCGGGCTCGTACCCCTGCTCTGGACGT-3'
Protein context (NP_055059.2, residues 89-109): AAPVRTPSFP[Gly99Arg]GNEEEPGSHL

ClinVar aggregate classification (germline): Uncertain significance. Review status: criteria provided, single submitter (1 of 4 stars). 2 submissions from 2 submitters: Uncertain significance (1). 1 of the submissions does not count toward it. Last evaluated 2021-08-27.

Conditions:
Ehlers-Danlos syndrome, dermatosparaxis type. Also called: EDS VIIC; Dermatosparaxis; Ehlers-Danlos syndrome, type VII, autosomal recessive. Identifiers: Orphanet 1901, MedGen C2700425, MONDO:0009161, OMIM 225410.

Allele frequency attached by ClinVar (database versions not stated): gnomAD 0.00001 and 0.00002; ExAC 0.00002; TOPMed 0.00002; 1000 Genomes Project 30x 0.00016; 1000 Genomes Project 0.00020.
gnomAD v4.1: 10 of 1,612,676 alleles (0.00062%); highest among the groups gnomAD compares: Admixed American, 0.01%; no homozygotes.

Submissions (2):

Labcorp Genetics (formerly Invitae), Labcorp
Classification: Uncertain significance for Ehlers-Danlos syndrome, dermatosparaxis type. Last evaluated: 2021-08-27. Review status: criteria provided, single submitter. Criteria: Invitae Variant Classification Sherloc (09022015). Collection method: clinical testing. Allele origin: germline.
Comment: This sequence change replaces glycine with arginine at codon 99 of the ADAMTS2 protein (p.Gly99Arg). The glycine residue is moderately conserved and there is a moderate physicochemical difference between glycine and arginine. This variant is present in population databases (rs553818378, ExAC 0.003%). This variant has not been reported in the literature in individuals affected with ADAMTS2-related conditions. Algorithms developed to predict the effect of missense changes on protein structure and function are either unavailable or do not agree on the potential impact of this missense change (SIFT: "Deleterious"; PolyPhen-2: "Benign"; Align-GVGD: "Class C0"). In summary, the available evidence is currently insufficient to determine the role of this variant in disease. Therefore, it has been classified as a Variant of Uncertain Significance.

Natera, Inc.
Classification: Uncertain significance for Ehlers-Danlos syndrome type VIIC. Last evaluated: 2020-04-20. Review status: no assertion criteria provided. Collection method: clinical testing. Allele origin: germline. Not counted in ClinVar's aggregate classification.